The following is an entry in ClinVar:

ClinVar aggregate classification (germline): Likely pathogenic. Review status: criteria provided, multiple submitters, no conflicts (2 of 4 stars). 2 submissions from 2 submitters: Likely pathogenic (2). Last evaluated 2026-01-19.

Conditions:
Dilated cardiomyopathy 1G (CMD1G). Identifiers: Orphanet 154, MedGen C1858763, MONDO:0011400, OMIM 604145.
Autosomal recessive limb-girdle muscular dystrophy type 2J (LGMDR10). Also called: Limb-girdle muscular dystrophy, type 2J; MUSCULAR DYSTROPHY, LIMB-GIRDLE, AUTOSOMAL RECESSIVE 10. Identifiers: Orphanet 140922, MedGen C1837342, MONDO:0012127, OMIM 608807.
Cardiovascular phenotype. Identifiers: MedGen CN230736.

gnomAD v4.1: 1 of 1,613,768 alleles (0.000062%); highest among the groups gnomAD compares: East Asian, 0.0022%; no homozygotes.

Submissions (2):

Labcorp Genetics (formerly Invitae), Labcorp
Classification: Likely pathogenic for Dilated cardiomyopathy 1G; Autosomal recessive limb-girdle muscular dystrophy type 2J. Last evaluated: 2026-01-19. Review status: criteria provided, single submitter. Criteria: Invitae Variant Classification Sherloc (09022015). Collection method: clinical testing. Allele origin: germline.
Comment: This sequence change creates a premature translational stop signal (p.Gly28874*) in the TTN gene. While this is not anticipated to result in nonsense mediated decay, it is expected to create a truncated TTN protein. This variant is not present in population databases (gnomAD no frequency). This variant has not been reported in the literature in individuals affected with TTN-related conditions. ClinVar contains an entry for this variant (Variation ID: 518963). This variant is located in the A band of TTN (PMID: 25589632). Truncating variants in this region are significantly overrepresented in patients affected with dilated cardiomyopathy (PMID: 25589632). Truncating variants in this region have also been reported in individuals affected with autosomal recessive centronuclear myopathy (PMID: 23975875). In summary, the currently available evidence indicates that the variant is pathogenic, but additional data are needed to prove that conclusively. Therefore, this variant has been classified as Likely Pathogenic.

Ambry Genetics
Classification: Likely pathogenic for Cardiovascular phenotype. Last evaluated: 2019-12-04. Review status: criteria provided, single submitter. Criteria: Ambry Variant Classification Scheme 2023. Collection method: clinical testing. Allele origin: germline.
Comment: The p.G19809* variant (also known as c.59425G>T), located in coding exon 153 of the TTN gene, results from a G to T substitution at nucleotide position 59425. This changes the amino acid from a glycine to a stop codon within coding exon 153. This exon is located in the A-band region of the N2-B isoform of the titin protein and is constitutively expressed in TTN transcripts (percent spliced in or PSI 100%). While truncating variants in TTN are present in 1-3% of the general population, truncating variants in the A-band are the most common cause of dilated cardiomyopathy (DCM) (Herman DS et al. N. Engl. J. Med. 2012 Feb;366:619-28; Roberts AM et al. Sci Transl Med. 2015 Jan;7:270ra6). TTN truncating variants encoded in constitutive exons (PSI >90%) have been found to be significantly associated with DCM regardless of their position in titin (Schafer S et al. Nat. Genet. 2017 Jan;49:46-53). This alteration is expected to result in loss of function by premature protein truncation or nonsense-mediated mRNA decay. As such, this alteration is classified as likely pathogenic.

Literature cited by the submitters: PubMed 25589632 (cited by Labcorp Genetics (formerly Invitae), Labcorp); PubMed 23975875 (cited by Labcorp Genetics (formerly Invitae), Labcorp).

NM_001267550.2(TTN):c.86620G>T (p.Gly28874Ter)

Genes: TTN-AS1 (TTN antisense RNA 1; plus strand), TTN (titin; minus strand). Cytogenetic location: 2q31.2.
Variant type: single nucleotide variant.
Coding change: c.86620G>T on transcript NM_001267550.2 (MANE Select); coding-DNA position 86620, G replaced by T.
Protein change: p.Gly28874Ter; replaces glycine 28874 with a stop codon.
Molecular consequence: nonsense.
Genome position (GRCh38, 1-based): chr2:178,559,512, C>A on the plus strand (G>T on the coding strand, the complement: TTN is on the minus strand). VCF-style: chr2-178559512-C-A. GRCh37 (hg19) VCF-style: chr2-179424239-C-A.
Other names: c.81697G>T, p.Gly27233Ter (NM_001256850.1); c.59425G>T, p.Gly19809Ter (NM_003319.4); c.78916G>T, p.Gly26306Ter (NM_133378.4); c.59800G>T, p.Gly19934Ter (NM_133432.3); c.60001G>T, p.Gly20001Ter (NM_133437.4); short protein forms G19809*, G28874*, G27233*, G26306*, G19934*, G20001*.
Identifiers: ClinVar variation 518963 (VCV000518963.7), dbSNP rs765852996, ClinGen allele CA349542598.
Genomic context (GRCh38, chr2:178,559,512, plus strand): 5'-AGACCCATGCTTTCTTGCTGGCCTCACGTTTTTCTATGTGGTAATTCTTCACTGGTGCTC[C>A]ACCATCGTTTTCAGGAACATCCCAGGATAACACTGCAGACTCTTTGGTTACATCTTGCAC-3'